The following is an entry in ClinVar:

NM_000142.5(FGFR3):c.753C>G (p.His251Gln)

Gene: FGFR3 (fibroblast growth factor receptor 3; plus strand). Cytogenetic location: 4p16.3.
Variant type: single nucleotide variant.
Coding change: c.753C>G on transcript NM_000142.5 (MANE Select); coding-DNA position 753, C replaced by G.
Protein change: p.His251Gln; replaces histidine 251 with glutamine.
Molecular consequence: missense variant. On other transcripts: non-coding transcript variant (1).
Genome position (GRCh38, 1-based): chr4:1,801,848, C>G. VCF-style: chr4-1801848-C-G. GRCh37 (hg19) VCF-style: chr4-1803575-C-G.
Other names: c.753C>G, p.His251Gln (NM_001163213.2, NM_001354809.2, NM_001354810.2 and 1 more transcripts); short protein forms H251Q.
Identifiers: ClinVar variation 4753883 (VCV004753883.1).

ClinVar aggregate classification (germline): Uncertain significance (1 of 4 stars; one submission).

gnomAD v4.1: 7 of 1,607,612 alleles (0.00044%); highest among the groups gnomAD compares: African/African-American, 0.0013%; no homozygotes.

Submission:

Labcorp Genetics (formerly Invitae), Labcorp
Classification: Uncertain significance. Last evaluated: 2025-03-13. Review status: criteria provided, single submitter. Criteria: Invitae Variant Classification Sherloc (09022015). Collection method: clinical testing. Allele origin: germline.
Comment: This sequence change replaces histidine, which is basic and polar, with glutamine, which is neutral and polar, at codon 251 of the FGFR3 protein (p.His251Gln). This variant is present in population databases (rs377554120, gnomAD 0.04%). This variant has not been reported in the literature in individuals affected with FGFR3-related conditions. Invitae Evidence Modeling of protein sequence and biophysical properties (such as structural, functional, and spatial information, amino acid conservation, physicochemical variation, residue mobility, and thermodynamic stability) has been performed for this missense variant. However, the output from this modeling did not meet the statistical confidence thresholds required to predict the impact of this variant on FGFR3 protein function. In summary, the available evidence is currently insufficient to determine the role of this variant in disease. Therefore, it has been classified as a Variant of Uncertain Significance.